The following is an entry in ClinVar:

ClinVar aggregate classification (germline): Uncertain significance (1 of 4 stars; one submission).

Conditions:
Hereditary cancer-predisposing syndrome. Also called: Neoplastic Syndromes, Hereditary; Tumor predisposition; Hereditary Cancer Syndrome; Hereditary neoplastic syndrome. Identifiers: Orphanet 140162, MedGen C0027672, MeSH D009386, MONDO:0015356.

Submission:

Ambry Genetics
Classification: Uncertain significance for Hereditary cancer-predisposing syndrome. Last evaluated: 2021-07-14. Review status: criteria provided, single submitter. Criteria: Ambry Variant Classification Scheme 2023. Collection method: clinical testing. Allele origin: germline.
Comment: The p.S67T variant (also known as c.199T>A), located in coding exon 1 of the CHEK2 gene, results from a T to A substitution at nucleotide position 199. The serine at codon 67 is replaced by threonine, an amino acid with similar properties. This amino acid position is conserved. In addition, this alteration is predicted to be tolerated by in silico analysis. Since supporting evidence is limited at this time, the clinical significance of this alteration remains unclear.

NM_007194.4(CHEK2):c.199T>A (p.Ser67Thr)

Gene: CHEK2 (checkpoint kinase 2; minus strand). Cytogenetic location: 22q12.1.
Variant type: single nucleotide variant.
Coding change: c.199T>A on transcript NM_007194.4 (MANE Select); coding-DNA position 199, T replaced by A.
Protein change: p.Ser67Thr; replaces serine 67 with threonine.
Molecular consequence: missense variant.
Genome position (GRCh38, 1-based): chr22:28,734,523, A>T on the plus strand (T>A on the coding strand, the complement: CHEK2 is on the minus strand). VCF-style: chr22-28734523-A-T. GRCh37 (hg19) VCF-style: chr22-29130511-A-T.
Other names: c.199T>A, p.Ser67Thr (NM_001005735.3, NM_001349956.3, NM_145862.3); c.-579T>A (NM_001257387.3); short protein forms S67T.
Identifiers: ClinVar variation 1784145 (VCV001784145.2), dbSNP rs1601852238, ClinGen allele CA411090809.